The following is an entry in ClinVar:

ClinVar aggregate classification (germline): Uncertain significance. Review status: criteria provided, multiple submitters, no conflicts (2 of 4 stars). 2 submissions from 2 submitters: Uncertain significance (2). Last evaluated 2021-09-14.

Conditions:
Hypercholesterolemia, autosomal dominant, type B (FHCL2). Also called: APOB-Related Familial Hypercholesterolemia, Autosomal Dominant; Hyperlipoproteinemia Type IIb; Familial Hypercholesterolemia Type B; APOLIPOPROTEIN B-100, FAMILIAL DEFECTIVE; APOLIPOPROTEIN B-100, FAMILIAL LIGAND-DEFECTIVE; Familial hypercholesterolemia 2. Identifiers: MedGen C1704417, MONDO:0007751, OMIM 144010.
Familial hypobetalipoproteinemia 1. Also called: APOB-Related Familial Hypobetalipoproteinemia; Hypobetalipoproteinemia, normotriglyceridemic; Acanthocytosis with hypobetalipoproteinemia. Identifiers: MedGen C4551990, MONDO:0014252, OMIM 615558.

Allele frequency attached by ClinVar (database versions not stated): gnomAD exomes below 0.00001.
gnomAD v4.1: 2 of 1,608,724 alleles (0.00012%); highest among the groups gnomAD compares: Middle Eastern, 0.033%; no homozygotes.

Submissions (2):

Fulgent Genetics
Classification: Uncertain significance for Hypercholesterolemia, autosomal dominant, type B; Familial hypobetalipoproteinemia 1. Last evaluated: 2021-09-14. Review status: criteria provided, single submitter. Criteria: ACMG Guidelines, 2015. Collection method: clinical testing. Allele origin: unknown.

Labcorp Genetics (formerly Invitae), Labcorp
Classification: Uncertain significance for Familial hypobetalipoproteinemia 1; Hypercholesterolemia, autosomal dominant, type B. Last evaluated: 2021-09-01. Review status: criteria provided, single submitter. Criteria: Invitae Variant Classification Sherloc (09022015). Collection method: clinical testing. Allele origin: germline.
Comment: This sequence change replaces lysine with asparagine at codon 2139 of the APOB protein (p.Lys2139Asn). The lysine residue is moderately conserved and there is a moderate physicochemical difference between lysine and asparagine. This variant is not present in population databases (ExAC no frequency). This variant has not been reported in the literature in individuals affected with APOB-related conditions. ClinVar contains an entry for this variant (Variation ID: 629608). Algorithms developed to predict the effect of missense changes on protein structure and function are either unavailable or do not agree on the potential impact of this missense change (SIFT: "Deleterious"; PolyPhen-2: "Benign"; Align-GVGD: "Class C0"). In summary, the available evidence is currently insufficient to determine the role of this variant in disease. Therefore, it has been classified as a Variant of Uncertain Significance.

NM_000384.3(APOB):c.6417G>C (p.Lys2139Asn)

Gene: APOB (apolipoprotein B; minus strand). Cytogenetic location: 2p24.1.
Variant type: single nucleotide variant.
Coding change: c.6417G>C on transcript NM_000384.3 (MANE Select); coding-DNA position 6417, G replaced by C.
Protein change: p.Lys2139Asn; replaces lysine 2139 with asparagine.
Molecular consequence: missense variant.
Genome position (GRCh38, 1-based): chr2:21,010,451, C>G on the plus strand (G>C on the coding strand, the complement: APOB is on the minus strand). VCF-style: chr2-21010451-C-G. GRCh37 (hg19) VCF-style: chr2-21233323-C-G.
Other names: short protein forms K2139N.
Identifiers: ClinVar variation 629608 (VCV000629608.8), dbSNP rs1558564270, ClinGen allele CA346001802.